The following is an entry in ClinVar:

ClinVar aggregate classification (germline): Uncertain significance (1 of 4 stars; one submission).

Submission:

GeneDx
Classification: Uncertain significance. Last evaluated: 2023-03-24. Review status: criteria provided, single submitter. Criteria: GeneDx Variant Classification Process June 2021. Collection method: clinical testing. Allele origin: germline. Affected: yes.
Comment: Not observed at significant frequency in large population cohorts (gnomAD); In silico analysis supports that this missense variant has a deleterious effect on protein structure/function; Has not been previously published as pathogenic or benign to our knowledge

NM_015557.3(CHD5):c.3104A>C (p.Lys1035Thr)

Gene: CHD5 (chromodomain helicase DNA binding protein 5; minus strand). Cytogenetic location: 1p36.31.
Variant type: single nucleotide variant.
Coding change: c.3104A>C on transcript NM_015557.3 (MANE Select); coding-DNA position 3104, A replaced by C.
Protein change: p.Lys1035Thr; replaces lysine 1035 with threonine.
Molecular consequence: missense variant.
Genome position (GRCh38, 1-based): chr1:6,134,168, T>G on the plus strand (A>C on the coding strand, the complement: CHD5 is on the minus strand). VCF-style: chr1-6134168-T-G. GRCh37 (hg19) VCF-style: chr1-6194228-T-G.
Other names: short protein forms K1035T.
Identifiers: ClinVar variation 2580535 (VCV002580535.1), dbSNP rs1666702581, ClinGen allele CA338077628.